The following is an entry in ClinVar:

ClinVar aggregate classification (germline): Pathogenic (1 of 4 stars; one submission).

Conditions:
Hypertrophic cardiomyopathy. Also called: HYPERTROPHIC MYOCARDIOPATHY. Identifiers: Orphanet 217569, MedGen C0007194, MeSH D002312, MONDO:0005045, HP:0001639.

Allele frequency attached by ClinVar (database versions not stated): gnomAD exomes below 0.00001.

Submission:

Labcorp Genetics (formerly Invitae), Labcorp
Classification: Pathogenic for Hypertrophic cardiomyopathy. Last evaluated: 2023-10-06. Review status: criteria provided, single submitter. Criteria: Invitae Variant Classification Sherloc (09022015). Collection method: clinical testing. Allele origin: germline.
Comment: This sequence change creates a premature translational stop signal (p.Arg63*) in the TNNI3 gene. It is expected to result in an absent or disrupted protein product. Loss-of-function variants in TNNI3 are known to be pathogenic (PMID: 31568572, 34036930, 35838873). This variant is not present in population databases (gnomAD no frequency). This variant has not been reported in the literature in individuals affected with TNNI3-related conditions. For these reasons, this variant has been classified as Pathogenic.

Literature cited by the submitters: PubMed 31568572; PubMed 34036930; PubMed 35838873.

NM_000363.5(TNNI3):c.187C>T (p.Arg63Ter)

Gene: TNNI3 (troponin I3, cardiac type; minus strand). Cytogenetic location: 19q13.42.
Variant type: single nucleotide variant.
Coding change: c.187C>T on transcript NM_000363.5 (MANE Select); coding-DNA position 187, C replaced by T.
Protein change: p.Arg63Ter; replaces arginine 63 with a stop codon.
Molecular consequence: nonsense.
Genome position (GRCh38, 1-based): chr19:55,156,296, G>A on the plus strand (C>T on the coding strand, the complement: TNNI3 is on the minus strand). VCF-style: chr19-55156296-G-A. GRCh37 (hg19) VCF-style: chr19-55667664-G-A.
Other names: short protein forms R63*.
Identifiers: ClinVar variation 2798268 (VCV002798268.3), dbSNP rs1286340820, ClinGen allele CA407441923.